The following is an entry in ClinVar:

NM_172245.4(CSF2RA):c.877A>C (p.Ser293Arg)

Gene: CSF2RA (colony stimulating factor 2 receptor subunit alpha; plus strand). Cytogenetic location: Xp22.33.
Variant type: single nucleotide variant.
Coding change: c.877A>C on transcript NM_172245.4 (MANE Select); coding-DNA position 877, A replaced by C.
Protein change: p.Ser293Arg; replaces serine 293 with arginine.
Molecular consequence: missense variant. On other transcripts: intron variant (2).
Genome position (GRCh38, 1-based): chrX:1,300,557, A>C. VCF-style: chrX-1300557-A-C. GRCh37 (hg19) VCF-style: chrX-1419450-A-C.
Other names: c.877A>C, p.Ser293Arg (NM_001161529.2, NM_001161530.2, NM_001161531.2 and 17 more transcripts); c.478A>C, p.Ser160Arg (NM_001161532.2); c.847A>C, p.Ser283Arg (NM_001379160.1); c.647-4889A>C (NM_172249.4); c.854+1492A>C (NM_001379166.1); short protein forms S293R, S283R, S160R.
Identifiers: ClinVar variation 1450362 (VCV001450362.6), dbSNP rs200955947, ClinGen allele CA10331051.

ClinVar aggregate classification (germline): Uncertain significance (1 of 4 stars; one submission).

Conditions:
Surfactant metabolism dysfunction, pulmonary, 4 (SMDP4). Also called: PAP DUE TO CSF2RA DEFICIENCY; PULMONARY ALVEOLAR PROTEINOSIS, CONGENITAL, 4; CSF2RA DEFICIENCY. Identifiers: Orphanet 264675, MedGen C2677877, MONDO:0010424, OMIM 300770.

Allele frequency attached by ClinVar (database versions not stated): gnomAD 0.00001 and 0.00003; gnomAD exomes 0.00004; TOPMed 0.00004; ExAC 0.00005.
gnomAD v4.1: 46 of 1,613,932 alleles (0.0029%); highest among the groups gnomAD compares: East Asian, 0.0067%; no homozygotes.

Submission:

Labcorp Genetics (formerly Invitae), Labcorp
Classification: Uncertain significance for Surfactant metabolism dysfunction, pulmonary, 4. Last evaluated: 2023-11-06. Review status: criteria provided, single submitter. Criteria: Invitae Variant Classification Sherloc (09022015). Collection method: clinical testing. Allele origin: germline.
Comment: This sequence change replaces serine, which is neutral and polar, with arginine, which is basic and polar, at codon 293 of the CSF2RA protein (p.Ser293Arg). This variant is present in population databases (no rsID available, gnomAD 0.08%). This variant has not been reported in the literature in individuals affected with CSF2RA-related conditions. ClinVar contains an entry for this variant (Variation ID: 1450362). Advanced modeling of protein sequence and biophysical properties (such as structural, functional, and spatial information, amino acid conservation, physicochemical variation, residue mobility, and thermodynamic stability) performed at Invitae indicates that this missense variant is not expected to disrupt CSF2RA protein function with a negative predictive value of 80%. In summary, the available evidence is currently insufficient to determine the role of this variant in disease. Therefore, it has been classified as a Variant of Uncertain Significance.